The following is an entry in ClinVar:

ClinVar aggregate classification (germline): Uncertain significance. Review status: criteria provided, multiple submitters, no conflicts (2 of 4 stars). 2 submissions from 2 submitters: Uncertain significance (2). Last evaluated 2024-05-15.

Conditions:
Primary ciliary dyskinesia 28. Also called: CILIARY DYSKINESIA, PRIMARY, 28, WITH OR WITHOUT SITUS INVERSUS. Identifiers: Orphanet 244, MedGen C3809706, MONDO:0014216, OMIM 615505.
Primary ciliary dyskinesia. Also called: Ciliary dyskinesia. Identifiers: Orphanet 244, MedGen C0008780, MONDO:0016575, HP:0012265.

Allele frequency attached by ClinVar (database versions not stated): gnomAD exomes below 0.00001; TOPMed 0.00001; gnomAD 0.00002.
gnomAD v4.1: 10 of 1,614,038 alleles (0.00062%); highest among the groups gnomAD compares: Non-Finnish European, 0.00085%; no homozygotes.

Submissions (2):

Ambry Genetics
Classification: Uncertain significance for Primary ciliary dyskinesia. Last evaluated: 2024-05-15. Review status: criteria provided, single submitter. Criteria: Ambry Variant Classification Scheme 2023. Collection method: clinical testing. Allele origin: germline.

Labcorp Genetics (formerly Invitae), Labcorp
Classification: Uncertain significance for Primary ciliary dyskinesia 28. Last evaluated: 2024-05-08. Review status: criteria provided, single submitter. Criteria: Invitae Variant Classification Sherloc (09022015). Collection method: clinical testing. Allele origin: germline.
Comment: This sequence change replaces cysteine, which is neutral and slightly polar, with arginine, which is basic and polar, at codon 825 of the SPAG1 protein (p.Cys825Arg). This variant is present in population databases (no rsID available, gnomAD 0.007%). This variant has not been reported in the literature in individuals affected with SPAG1-related conditions. ClinVar contains an entry for this variant (Variation ID: 1022055). Advanced modeling of protein sequence and biophysical properties (such as structural, functional, and spatial information, amino acid conservation, physicochemical variation, residue mobility, and thermodynamic stability) performed at Invitae indicates that this missense variant is expected to disrupt SPAG1 protein function with a positive predictive value of 80%. In summary, the available evidence is currently insufficient to determine the role of this variant in disease. Therefore, it has been classified as a Variant of Uncertain Significance.

NM_003114.5(SPAG1):c.2473T>C (p.Cys825Arg)

Gene: SPAG1 (sperm associated antigen 1; plus strand). Cytogenetic location: 8q22.2.
Variant type: single nucleotide variant.
Coding change: c.2473T>C on transcript NM_003114.5 (MANE Select); coding-DNA position 2473, T replaced by C.
Protein change: p.Cys825Arg; replaces cysteine 825 with arginine.
Molecular consequence: missense variant.
Genome position (GRCh38, 1-based): chr8:100,240,595, T>C. VCF-style: chr8-100240595-T-C. GRCh37 (hg19) VCF-style: chr8-101252823-T-C.
Other names: c.2473T>C, p.Cys825Arg (NM_001374321.1, NM_172218.3); c.2473T>C (NM_172218.2); short protein forms C825R.
Identifiers: ClinVar variation 1022055 (VCV001022055.9), dbSNP rs1240396981, ClinGen allele CA371818629.
Genomic context (GRCh38, chr8:100,240,595, plus strand): 5'-AATGCCTATGAATTTGGTCAGATTATAAATGCTCTCAGTACCAGGAAGGATAAAGAAGCC[T>C]GTGCACATCTTTTAGCCATCACTGCACCAAAAGATTTGCCGATGTTTTTAAGTAACAAAC-3'
Protein context (NP_003105.2, residues 815-835): ALSTRKDKEA[Cys825Arg]AHLLAITAPK